The following is an entry in ClinVar:

ClinVar aggregate classification (germline): Uncertain significance. Review status: criteria provided, multiple submitters, no conflicts (2 of 4 stars). 3 submissions from 3 submitters: Uncertain significance (2). 1 of the submissions does not count toward it. Last evaluated 2024-11-17.

Conditions:
Bloom syndrome (BLM). Also called: Bloom-Torre-Machacek syndrome. Identifiers: Orphanet 125, MedGen C0005859, MONDO:0008876, OMIM 210900.
Hereditary cancer-predisposing syndrome. Also called: Hereditary Cancer Syndrome; Tumor predisposition; Hereditary neoplastic syndrome; Neoplastic Syndromes, Hereditary. Identifiers: Orphanet 140162, MedGen C0027672, MeSH D009386, MONDO:0015356.

Allele frequency attached by ClinVar (database versions not stated): gnomAD exomes 0.00001.
gnomAD v4.1: 5 of 1,614,082 alleles (0.00031%); highest among the groups gnomAD compares: African/African-American, 0.0013%; no homozygotes.

Submissions (3):

Ambry Genetics
Classification: Uncertain significance for Hereditary cancer-predisposing syndrome. Last evaluated: 2024-11-17. Review status: criteria provided, single submitter. Criteria: Ambry Variant Classification Scheme 2023. Collection method: clinical testing. Allele origin: germline.
Comment: The p.K1148E variant (also known as c.3442A>G), located in coding exon 17 of the BLM gene, results from an A to G substitution at nucleotide position 3442. The lysine at codon 1148 is replaced by glutamic acid, an amino acid with similar properties. This amino acid position is conserved. In addition, the in silico prediction for this alteration is inconclusive. Based on the available evidence, the clinical significance of this variant remains unclear.

Labcorp Genetics (formerly Invitae), Labcorp
Classification: Uncertain significance for Bloom syndrome. Last evaluated: 2020-03-05. Review status: criteria provided, single submitter. Criteria: Invitae Variant Classification Sherloc (09022015). Collection method: clinical testing. Allele origin: germline.
Comment: This variant is not present in population databases (ExAC no frequency). This variant has not been reported in the literature in individuals with BLM-related disease. Algorithms developed to predict the effect of missense changes on protein structure and function are either unavailable or do not agree on the potential impact of this missense change (SIFT: "Deleterious"; PolyPhen-2: "Probably Damaging"; Align-GVGD: "Class C0"). In summary, the available evidence is currently insufficient to determine the role of this variant in disease. Therefore, it has been classified as a Variant of Uncertain Significance. This sequence change replaces lysine with glutamic acid at codon 1148 of the BLM protein (p.Lys1148Glu). The lysine residue is highly conserved and there is a small physicochemical difference between lysine and glutamic acid.

Natera, Inc.
Classification: Uncertain significance for Bloom syndrome. Last evaluated: 2020-09-16. Review status: no assertion criteria provided. Collection method: clinical testing. Allele origin: germline. Not counted in ClinVar's aggregate classification.

NM_000057.4(BLM):c.3442A>G (p.Lys1148Glu)

Gene: BLM (BLM RecQ like helicase; plus strand). Cytogenetic location: 15q26.1.
Variant type: single nucleotide variant.
Coding change: c.3442A>G on transcript NM_000057.4 (MANE Select); coding-DNA position 3442, A replaced by G.
Protein change: p.Lys1148Glu; replaces lysine 1148 with glutamic acid.
Molecular consequence: missense variant. On other transcripts: intron variant (1).
Genome position (GRCh38, 1-based): chr15:90,803,604, A>G. VCF-style: chr15-90803604-A-G. GRCh37 (hg19) VCF-style: chr15-91346834-A-G.
Other names: c.3442A>G, p.Lys1148Glu (NM_001287246.2); c.2317A>G, p.Lys773Glu (NM_001287248.2); c.3358+5267A>G (NM_001287247.2); c.3442A>G (NM_000057.2); short protein forms K1148E, K773E.
Identifiers: ClinVar variation 646816 (VCV000646816.11), dbSNP rs1596267545, ClinGen allele CA393847602.